The following is an entry in ClinVar:

ClinVar aggregate classification (germline): Conflicting classifications of pathogenicity. Review status: criteria provided, conflicting classifications (1 of 4 stars). 4 submissions from 4 submitters: Uncertain significance (3); Likely benign (1). Last evaluated 2025-11-18.

Conditions:
Inborn genetic diseases. Identifiers: MedGen C0950123, MeSH D030342.
Fraser syndrome 1 (FRASRS1). Also called: CRYPTOPHTHALMOS WITH OTHER MALFORMATIONS. Identifiers: Orphanet 2052, MedGen C4551480, MONDO:0054737, OMIM 219000.

Allele frequency attached by ClinVar (database versions not stated): TOPMed 0.00005; gnomAD 0.00006 and 0.00012; ESP Exome Variant Server 0.00008; 1000 Genomes Project 30x 0.00016; 1000 Genomes Project 0.00020.
gnomAD v4.1: 272 of 1,613,928 alleles (0.017%); highest among the groups gnomAD compares: Middle Eastern, 0.099%; 4 homozygotes.

Submissions (4):

Labcorp Genetics (formerly Invitae), Labcorp
Classification: Uncertain significance. Last evaluated: 2025-11-18. Review status: criteria provided, single submitter. Criteria: Invitae Variant Classification Sherloc (09022015). Collection method: clinical testing. Allele origin: germline.
Comment: This sequence change replaces valine, which is neutral and non-polar, with methionine, which is neutral and non-polar, at codon 537 of the FRAS1 protein (p.Val537Met). This variant is present in population databases (rs367598897, gnomAD 0.04%). This variant has not been reported in the literature in individuals affected with FRAS1-related conditions. ClinVar contains an entry for this variant (Variation ID: 349680). An algorithm developed to predict the effect of missense changes on protein structure and function (PolyPhen-2) suggests that this variant is likely to be tolerated. In summary, the available evidence is currently insufficient to determine the role of this variant in disease. Therefore, it has been classified as a Variant of Uncertain Significance.

Fulgent Genetics
Classification: Likely benign for Fraser syndrome 1. Last evaluated: 2024-05-29. Review status: criteria provided, single submitter. Criteria: ACMG Guidelines, 2015. Collection method: clinical testing. Allele origin: germline.

Ambry Genetics
Classification: Uncertain significance for Inborn genetic diseases. Last evaluated: 2021-08-12. Review status: criteria provided, single submitter. Criteria: Ambry Variant Classification Scheme 2023. Collection method: clinical testing. Allele origin: germline.

Illumina Laboratory Services, Illumina
Classification: Uncertain significance for Fraser syndrome 1. Last evaluated: 2018-01-13. Review status: criteria provided, single submitter. Criteria: ICSL Variant Classification Criteria 13 December 2019. Collection method: clinical testing. Allele origin: germline.

NM_025074.7(FRAS1):c.1609G>A (p.Val537Met)

Gene: FRAS1 (Fraser extracellular matrix complex subunit 1; plus strand). Cytogenetic location: 4q21.21.
Variant type: single nucleotide variant.
Coding change: c.1609G>A on transcript NM_025074.7 (MANE Select); coding-DNA position 1609, G replaced by A.
Protein change: p.Val537Met; replaces valine 537 with methionine.
Molecular consequence: missense variant.
Genome position (GRCh38, 1-based): chr4:78,308,140, G>A. VCF-style: chr4-78308140-G-A. GRCh37 (hg19) VCF-style: chr4-79229294-G-A.
Other names: c.1609G>A, p.Val537Met (NM_001166133.2); short protein forms V537M.
Identifiers: ClinVar variation 349680 (VCV000349680.13), dbSNP rs367598897, ClinGen allele CA2976362.
Genomic context (GRCh38, chr4:78,308,140, plus strand): 5'-TGTGCAGGTTGCTGGGGCCCAACGGAGAAGCACTGCTTGGCCTGCAGAGATCCCCTCCAC[G>A]TGCTGAGAGATGGCGGCTGTGAGAGCAGCTGTGGAAAAGGCTTCTACAACAGGCAGGGCA-3'
Protein context (NP_079350.5, residues 527-547): HCLACRDPLH[Val537Met]LRDGGCESSC